The following is an entry in ClinVar:

NM_018975.4(TERF2IP):c.1134A>C (p.Arg378Ser)

Gene: TERF2IP (TERF2 interacting protein; plus strand). Cytogenetic location: 16q23.1.
Variant type: single nucleotide variant.
Coding change: c.1134A>C on transcript NM_018975.4 (MANE Select); coding-DNA position 1134, A replaced by C.
Protein change: p.Arg378Ser; replaces arginine 378 with serine.
Molecular consequence: missense variant. On other transcripts: non-coding transcript variant (1).
Genome position (GRCh38, 1-based): chr16:75,656,545, A>C. VCF-style: chr16-75656545-A-C. GRCh37 (hg19) VCF-style: chr16-75690443-A-C.
Other names: short protein forms R378S.
Identifiers: ClinVar variation 1729234 (VCV001729234.10), dbSNP rs138458227, ClinGen allele CA8178174.
Genomic context (GRCh38, chr16:75,656,545, plus strand): 5'-ATATCCCATTTGGTCCCGACAAGATGACATAGATTTGCAAAAAGATGATGAGGATACCAG[A>C]GAGGCATTGGTCAAAAAATTTGGTGCTCAGAATGTAGCTCGGAGGATTGAATTTCGAAAG-3'
Protein context (NP_061848.2, residues 368-388): IDLQKDDEDT[Arg378Ser]EALVKKFGAQ

ClinVar aggregate classification (germline): Uncertain significance. Review status: criteria provided, multiple submitters, no conflicts (2 of 4 stars). 3 submissions from 3 submitters: Uncertain significance (3). Last evaluated 2025-12-02.

Allele frequency attached by ClinVar (database versions not stated): ExAC 0.00005; gnomAD 0.00009; gnomAD exomes 0.00009; TOPMed 0.00009; ESP Exome Variant Server 0.00015.
gnomAD v4.1: 146 of 1,613,684 alleles (0.009%); highest among the groups gnomAD compares: Non-Finnish European, 0.011%; no homozygotes.

Submissions (3):

Ambry Genetics
Classification: Uncertain significance. Last evaluated: 2025-12-02. Review status: criteria provided, single submitter. Criteria: Ambry Variant Classification Scheme 2023. Collection method: clinical testing. Allele origin: germline.

Labcorp Genetics (formerly Invitae), Labcorp
Classification: Uncertain significance. Last evaluated: 2025-07-02. Review status: criteria provided, single submitter. Criteria: Invitae Variant Classification Sherloc (09022015). Collection method: clinical testing. Allele origin: germline.
Comment: This sequence change replaces arginine, which is basic and polar, with serine, which is neutral and polar, at codon 378 of the TERF2IP protein (p.Arg378Ser). This variant is present in population databases (rs138458227, gnomAD 0.01%). This variant has not been reported in the literature in individuals affected with TERF2IP-related conditions. ClinVar contains an entry for this variant (Variation ID: 1729234). An algorithm developed to predict the effect of missense changes on protein structure and function (PolyPhen-2) suggests that this variant is likely to be disruptive. In summary, the available evidence is currently insufficient to determine the role of this variant in disease. Therefore, it has been classified as a Variant of Uncertain Significance.

Center for Genomic Medicine, Rigshospitalet, Copenhagen University Hospital
Classification: Uncertain significance. Last evaluated: 2025-03-04. Review status: criteria provided, single submitter. Criteria: ACMG Guidelines, 2015. Collection method: clinical testing. Allele origin: germline.